The following is an entry in ClinVar:

ClinVar aggregate classification (germline): Pathogenic (1 of 4 stars; one submission).

Conditions:
Familial focal epilepsy with variable foci (FPEVF). Identifiers: Orphanet 98820, MedGen C1858477, MONDO:0020310.

Submission:

Labcorp Genetics (formerly Invitae), Labcorp
Classification: Pathogenic for Familial focal epilepsy with variable foci. Last evaluated: 2022-04-15. Review status: criteria provided, single submitter. Criteria: Invitae Variant Classification Sherloc (09022015). Collection method: clinical testing. Allele origin: germline.
Comment: For these reasons, this variant has been classified as Pathogenic. This variant has not been reported in the literature in individuals affected with DEPDC5-related conditions. This variant is not present in population databases (gnomAD no frequency). This sequence change creates a premature translational stop signal (p.Cys498Phefs*14) in the DEPDC5 gene. It is expected to result in an absent or disrupted protein product. Loss-of-function variants in DEPDC5 are known to be pathogenic (PMID: 23542697, 23542701).

Literature cited by the submitters: PubMed 23542697; PubMed 23542701.

NM_001242896.3(DEPDC5):c.1493_1500del (p.Cys498fs)

Gene: DEPDC5 (DEP domain containing 5, GATOR1 subcomplex subunit; plus strand). Cytogenetic location: 22q12.3.
Variant type: Deletion.
Coding change: c.1493_1500del on transcript NM_001242896.3 (MANE Select); coding-DNA positions 1493 to 1500, 8 bases deleted (GTGATGTT; older notation c.1493_1500delGTGATGTT).
Protein change: p.Cys498fs; shifts the reading frame from cysteine 498.
Molecular consequence: frameshift variant. On other transcripts: non-coding transcript variant (5).
Genome position (GRCh38, 1-based): chr22:31,815,039-31,815,046, GTGATGTT deleted; deleting any 8 consecutive bases within chr22:31,815,038-31,815,046 gives the same sequence; the c. name uses the placement nearest the transcript's 3' end. VCF-style (leftmost placement, unchanged base first): chr22-31815037-CTGTGATGT-C. GRCh37 (hg19) VCF-style: chr22-32211023-CTGTGATGT-C.
Other names: c.1493_1500del, p.Cys498fs (NM_001007188.4, NM_001136029.4, NM_001242897.2 and 7 more transcripts); c.1409_1416del, p.Cys470fs (NM_001369901.1, NM_001369902.1); short protein forms C470fs, C498fs.
Identifiers: ClinVar variation 2126379 (VCV002126379.4), dbSNP rs2519249682, ClinGen allele CA2580099625.